The following is an entry in ClinVar:

NM_016222.4(DDX41):c.1303-3C>T

Gene: DDX41 (DEAD-box helicase 41; minus strand). Cytogenetic location: 5q35.3.
Variant type: single nucleotide variant.
Coding change: c.1303-3C>T on transcript NM_016222.4 (MANE Select); 3 bases into the intron before coding-DNA position 1303, C replaced by T.
Molecular consequence: intron variant.
Genome position (GRCh38, 1-based): chr5:177,512,879, G>A on the plus strand (C>T on the coding strand, the complement: DDX41 is on the minus strand). VCF-style: chr5-177512879-G-A. GRCh37 (hg19) VCF-style: chr5-176939880-G-A.
Other names: c.1303-3C>T (NM_016222.2); c.925-3C>T (NM_001321830.2, NM_001321732.2).
Identifiers: ClinVar variation 2781869 (VCV002781869.5), dbSNP rs2532076907, ClinGen allele CA2676752997.

ClinVar aggregate classification (germline): Conflicting classifications of pathogenicity. Review status: criteria provided, conflicting classifications (1 of 4 stars). 2 submissions from 2 submitters: Uncertain significance (1); Likely benign (1). Last evaluated 2026-02-16.

Conditions:
Inborn genetic diseases. Identifiers: MedGen C0950123, MeSH D030342.

Allele frequency attached by ClinVar (database versions not stated): gnomAD exomes below 0.00001.
gnomAD v4.1: 1 of 1,613,702 alleles (0.000062%); highest among the groups gnomAD compares: Middle Eastern, 0.017%; no homozygotes.

Submissions (2):

Ambry Genetics
Classification: Likely benign for Inborn genetic diseases. Last evaluated: 2026-02-16. Review status: criteria provided, single submitter. Criteria: Ambry Variant Classification Scheme 2023. Collection method: clinical testing. Allele origin: germline.

Labcorp Genetics (formerly Invitae), Labcorp
Classification: Uncertain significance. Last evaluated: 2023-11-12. Review status: criteria provided, single submitter. Criteria: Invitae Variant Classification Sherloc (09022015). Collection method: clinical testing. Allele origin: germline.
Comment: This sequence change falls in intron 12 of the DDX41 gene. It does not directly change the encoded amino acid sequence of the DDX41 protein. It affects a nucleotide within the consensus splice site. This variant is not present in population databases (gnomAD no frequency). This variant has not been reported in the literature in individuals affected with DDX41-related conditions. Variants that disrupt the consensus splice site are a relatively common cause of aberrant splicing (PMID: 17576681, 9536098). Algorithms developed to predict the effect of sequence changes on RNA splicing suggest that this variant is not likely to affect RNA splicing. In summary, the available evidence is currently insufficient to determine the role of this variant in disease. Therefore, it has been classified as a Variant of Uncertain Significance.

Literature cited by the submitters: PubMed 17576681 (cited by Labcorp Genetics (formerly Invitae), Labcorp); PubMed 9536098 (cited by Labcorp Genetics (formerly Invitae), Labcorp).